The following is an entry in ClinVar:

GRCh37/hg19 Xp11.4-11.22(chrX:39525562-52832596)x3

Genes: ERAS (ES cell expressed Ras; plus strand), FOXP3 (forkhead box P3; minus strand), FTSJ1 (FtsJ RNA 2'-O-methyltransferase 1; plus strand), SHROOM4 (shroom family member 4; minus strand), SLC35A2 (solute carrier family 35 member A2; minus strand) and 123 more. Cytogenetic location: Xp11.4-11.22.
Variant type: copy number gain.
Change: copy number 3 of chrX:39,525,562-52,832,596 (13.31 Mb, GRCh37 coordinates, 1-based), cytogenetic band Xp11.4-11.22.
Identifiers: ClinVar variation 1808658 (VCV001808658.1).

ClinVar aggregate classification (germline): Pathogenic (1 of 4 stars; one submission).

Submission:

Quest Diagnostics Nichols Institute San Juan Capistrano
Classification: Pathogenic. Last evaluated: 2022-05-11. Review status: criteria provided, single submitter. Criteria: ACMG/ClinGen CNV Guidelines, 2019. Collection method: clinical testing. Allele origin: unknown.
Comment: The copy number gain of Xp11.4p11.22 involves numerous protein-coding genes, including SHROOM4 (OMIM 300579), FTSJ1 (OMIM 300499), DGKK (OMIM 300837), BMP15 (OMIM 300247), PQBP1 (OMIM 300463), and SLC35A2 (OMIM 314375), and is expected to cause phenotypic and/or developmental abnormalities. This region overlaps a recurrent copy number gain associated with X-linked dominant chromosome Xp11.23-p11.22 duplication syndrome (OMIM 300801). Both males and females with this copy number gain are affected. Common clinical features include mild facial dysmorphism, mild to severe intellectual disability, language impairment, early onset of puberty, and epilepsy. Foot abnormalities, 5th finger clinodactyly, tapering fingers, constipation, and exercise intolerance are also observed (Grams 2016). Several candidate genes have been proposed for these phenotypes: SHROOM4, FTSJ1, and DGKK for intellectual disability, BMP15 for early onset of puberty, and PQBP1 and SLC35A2 for epilepsy (Grams 2016, Nizon 2015). Furthermore, there are no similar copy number gains of this region in the general populations of the Database of Genomic Variants. Thus, the clinical significance of this copy number variant (CNV) is pathogenic. References: Grams et al., Am J Med Genet A. 2016 Apr;170A(4):967-77. PMID: 26692240. Nizon et al., Am J Med Genet A. 2015 Jan;167A(1):111-22. PMID: 25425167.